The following is an entry in ClinVar:

ClinVar aggregate classification (germline): Uncertain significance (1 of 4 stars; one submission).

Conditions:
Freeman-Sheldon syndrome (DA2A). Also called: WHISTLING FACE-WINDMILL VANE HAND SYNDROME; CRANIOCARPOTARSAL DYSPLASIA; CRANIOCARPOTARSAL DYSTROPHY; Arthrogryposis, distal, type 2A (Freeman-Sheldon). Identifiers: Orphanet 2053, MedGen C0265224, MONDO:0008675, OMIM 193700.
Arthrogryposis, distal, type 2B3. Also called: Arthrogryposis, distal, type 2B3 (Sheldon-Hall). Identifiers: MedGen C5193098, MONDO:0032751, OMIM 618436.
Contractures, pterygia, and variable skeletal fusions syndrome 1B. Also called: CONTRACTURES, PTERYGIA, AND SPONDYLOCARPOTARSAL FUSION SYNDROME 1B. Identifiers: MedGen C5193114, MONDO:0020746, OMIM 618469.
Contractures, pterygia, and spondylocarpotarsal fusion syndrome 1A (CPSFS1A). Also called: Contractures, pterygia, and variable skeletal fusions syndrome 1A; Distal arthrogryposis type 8; MULTIPLE PTERYGIUM SYNDROME, AUTOSOMAL DOMINANT. Identifiers: Orphanet 65743, MedGen C1867440, MONDO:0008338, OMIM 178110.

Submission:

Juno Genomics, Hangzhou Juno Genomics, Inc
Classification: Uncertain significance for Freeman-Sheldon syndrome; Arthrogryposis, distal, type 2B3; Contractures, pterygia, and spondylocarpotarsal fusion syndrome 1A; Contractures, pterygia, and variable skeletal fusions syndrome 1B. Review status: criteria provided, single submitter. Criteria: ACMG Guidelines, 2015. Collection method: clinical testing. Allele origin: germline.
Comment: Absent from controls (or at extremely low frequency if recessive) in Genome Aggregation Database.;Multiple lines of computational evidence support a deleterious effect on the gene or gene product.;Missense variant in a gene that has a low rate of benign missense variation.

NM_002470.4(MYH3):c.1627A>G (p.Lys543Glu)

Gene: MYH3 (myosin heavy chain 3; minus strand). Cytogenetic location: 17p13.1.
Variant type: single nucleotide variant.
Coding change: c.1627A>G on transcript NM_002470.4 (MANE Select); coding-DNA position 1627, A replaced by G.
Protein change: p.Lys543Glu; replaces lysine 543 with glutamic acid.
Molecular consequence: missense variant.
Genome position (GRCh38, 1-based): chr17:10,642,678, T>C on the plus strand (A>G on the coding strand, the complement: MYH3 is on the minus strand). VCF-style: chr17-10642678-T-C. GRCh37 (hg19) VCF-style: chr17-10545995-T-C.
Other names: short protein forms K543E.
Identifiers: ClinVar variation 5019714 (VCV005019714.2).